The following is an entry in ClinVar:

ClinVar aggregate classification (germline): Uncertain significance. Review status: criteria provided, multiple submitters, no conflicts (2 of 4 stars). 4 submissions from 4 submitters: Uncertain significance (4). Last evaluated 2024-03-05.

Conditions:
RYR2-related disorder. Also called: RYR2-related condition.
Catecholaminergic polymorphic ventricular tachycardia (CVPT). Also called: Catecholamine-induced polymorphic ventricular tachycardia. Identifiers: Orphanet 3286, MedGen C5574922, MONDO:0017990.
Catecholaminergic polymorphic ventricular tachycardia 1. Also called: VENTRICULAR TACHYCARDIA, CATECHOLAMINERGIC POLYMORPHIC, 1, WITH OR WITHOUT ATRIAL DYSFUNCTION AND/OR DILATED CARDIOMYOPATHY; RYR2-Related Catecholaminergic Polymorphic Ventricular Tachycardia; VENTRICULAR TACHYCARDIA, STRESS-INDUCED POLYMORPHIC 1. Identifiers: Orphanet 3286, MedGen C1631597, MONDO:0011484, OMIM 604772.

Allele frequency attached by ClinVar (database versions not stated): TOPMed below 0.00001; gnomAD 0.00001; gnomAD exomes 0.00001.
gnomAD v4.1: 10 of 1,597,082 alleles (0.00063%); highest among the groups gnomAD compares: Non-Finnish European, 0.00034%; no homozygotes.

Submissions (4):

All of Us Research Program, National Institutes of Health
Classification: Uncertain significance for Catecholaminergic polymorphic ventricular tachycardia. Last evaluated: 2024-03-05. Review status: criteria provided, single submitter. Criteria: ACMG Guidelines, 2015. Collection method: clinical testing. Allele origin: germline. Inheritance: Autosomal dominant inheritance. Observed: 1 variant allele, 1 heterozygote.
Comment: This study involves interpretation of variants in research participants for the purpose of population health screening. Participant phenotype was not available at the time of variant classification. Additional details can be found in publication PMID: 35346344, PMCID: PMC8962531

Labcorp Genetics (formerly Invitae), Labcorp
Classification: Uncertain significance for Catecholaminergic polymorphic ventricular tachycardia 1. Last evaluated: 2023-10-13. Review status: criteria provided, single submitter. Criteria: Invitae Variant Classification Sherloc (09022015). Collection method: clinical testing. Allele origin: germline.
Comment: This sequence change replaces arginine, which is basic and polar, with glutamine, which is neutral and polar, at codon 3615 of the RYR2 protein (p.Arg3615Gln). This variant is present in population databases (no rsID available, gnomAD 0.009%). This variant has not been reported in the literature in individuals affected with RYR2-related conditions. ClinVar contains an entry for this variant (Variation ID: 252507). Advanced modeling of protein sequence and biophysical properties (such as structural, functional, and spatial information, amino acid conservation, physicochemical variation, residue mobility, and thermodynamic stability) performed at Invitae indicates that this missense variant is expected to disrupt RYR2 protein function. Algorithms developed to predict the effect of sequence changes on RNA splicing suggest that this variant may disrupt the consensus splice site. In summary, the available evidence is currently insufficient to determine the role of this variant in disease. Therefore, it has been classified as a Variant of Uncertain Significance.

PreventionGenetics, part of Exact Sciences
Classification: Uncertain significance for RYR2-related condition. Last evaluated: 2022-08-30. Review status: criteria provided, single submitter. Criteria: ACMG Guidelines, 2015. Collection method: clinical testing. Allele origin: germline.
Comment: The RYR2 c.10844G>A variant is predicted to result in the amino acid substitution p.Arg3615Gln. To our knowledge, this variant has not been reported in individuals with RYR2-related disorders in the literature. This variant is reported in 0.0093% of alleles in individuals of European (Finnish) descent in gnomAD. At this time, the clinical significance of this variant is uncertain due to the absence of conclusive functional and genetic evidence.

Genomic Diagnostic Laboratory, Division of Genomic Diagnostics, Children's Hospital of Philadelphia
Classification: Uncertain significance for Catecholaminergic polymorphic ventricular tachycardia. Last evaluated: 2015-08-10. Review status: criteria provided, single submitter. Criteria: DGD Variant Analysis Guidelines. Collection method: clinical testing. Allele origin: unknown.

NM_001035.3(RYR2):c.10844G>A (p.Arg3615Gln)

Gene: RYR2 (ryanodine receptor 2; plus strand). Cytogenetic location: 1q43.
Variant type: single nucleotide variant.
Coding change: c.10844G>A on transcript NM_001035.3 (MANE Select); coding-DNA position 10844, G replaced by A.
Protein change: p.Arg3615Gln; replaces arginine 3615 with glutamine.
Molecular consequence: missense variant.
Genome position (GRCh38, 1-based): chr1:237,730,265, G>A. VCF-style: chr1-237730265-G-A. GRCh37 (hg19) VCF-style: chr1-237893565-G-A.
Other names: c.10844G>A, p.Arg3615Gln (LRG_402t1); short protein forms R3615Q.
Identifiers: ClinVar variation 252507 (VCV000252507.12), dbSNP rs879255349, ClinGen allele CA10585957.